The following is an entry in ClinVar:

NM_000152.5(GAA):c.896T>G (p.Leu299Arg)

Gene: GAA (alpha glucosidase; plus strand). Cytogenetic location: 17q25.3.
Variant type: single nucleotide variant.
Coding change: c.896T>G on transcript NM_000152.5 (MANE Select); coding-DNA position 896, T replaced by G.
Protein change: p.Leu299Arg; replaces leucine 299 with arginine.
Molecular consequence: missense variant.
Genome position (GRCh38, 1-based): chr17:80,107,837, T>G. VCF-style: chr17-80107837-T-G. GRCh37 (hg19) VCF-style: chr17-78081636-T-G.
Other names: NM_000152.5(GAA):c.896T>G; c.896T>G, p.Leu299Arg (LRG_673t1, NM_001079803.3, NM_001079804.3); short protein forms L299R.
Identifiers: ClinVar variation 4025 (VCV000004025.14), dbSNP rs121907940, ClinGen allele CA116601.

ClinVar aggregate classification (germline): Likely pathogenic. Review status: reviewed by expert panel (3 of 4 stars). 4 submissions from 4 submitters: Likely pathogenic (1). 3 of the submissions do not count toward it. Last evaluated 2026-09-01.

Conditions:
Glycogen storage disease, type II (IOPD). Also called: Glycogen storage disease type 2; Acid maltase deficiency disease; Aglucosidase alfa; Deficiency of alpha-glucosidase; Deficiency of lysosomal alpha-glucosidase; GLYCOGENOSIS, GENERALIZED, CARDIAC FORM. Identifiers: Orphanet 365, MedGen C0017921, MONDO:0009290, OMIM 232300.

Submissions (4):

ClinGen Lysosomal Storage Disorder Variant Curation Expert Panel
Classification: Likely pathogenic for Glycogen storage disease, type II. Last evaluated: 2026-09-01. Review status: reviewed by expert panel. Criteria: clingen_lsd_acmg_specifications_v2-1. Collection method: curation. Allele origin: germline. Inheritance: Autosomal recessive inheritance.
Comment: The NM_000152.5:c.896T>G variant in GAA is a missense variant predicted to cause substitution of leucine by arginine at amino acid 299 (p.Leu299Arg). At least two individuals with this variant have been reported to have a diagnosis of Pompe disease. One of these individuals was diagnosed with late-onset Pompe disease and had documented GAA deficiency with <10% of normal mean control level of GAA activity in muscle and was on enzyme replacement therapy for Pompe disease. This individual was compound heterozygous for the variant and a variant classified as pathogenic by the ClinGen LD VCEP, c.1655T>C (p.Leu552Pro), phase unconfirmed (PMID: 38313679, Duke University Medical Center). Another individual with this variant was reported to have infantile-onset Pompe disease with <10% of normal mean control level of GAA activity in cultured fibroblasts, but exact values for the individual's GAA activity and laboratory control values for GAA activity were not provided. This individual was compound heterozygous for the variant and a variant classified as pathogenic by the ClinGen LD VCEP, a deletion of exon 18 (c.2481+110_2646+39del), phase unconfirmed (PMIDs: 7603531, 7717400) (PM3, PP4_Moderate). This variant is absent in gnomAD v4.1.1 (PM2_Supporting). Expression of the variant in COS-7 cells resulted in <2% wild type GAA activity, indicating that this variant may impact protein function (PMID: 19862843). Additionally, expression of the variant in TR4219 cells resulted in "complete loss of GAA activity". One positive and multiple negative controls were included, the experiment was replicated, and the cells were sequenced to ensure integrity of the variant (PMID: 7717400) (PS3_Supporting). The computational predictor REVEL gives a score of 0.93 which is above the threshold of 0.7, evidence that correlates with impact to GAA function (PP3). Another missense variant in the same codon, c.896T>C (p.Leu299Pro) (ClinVar Variation ID: 180144), has been classified as pathogenic for Pompe disease by the ClinGen LD VCEP (PM5). There is a ClinVar entry for this variant (Variation ID: 4025). In summary, this variant meets the criteria to be classified as likely pathogenic for Pompe disease based on the ACMG/AMP criteria applied, as specified by the ClinGen Lysosomal Diseases Variant Curation Expert Panel (Specifications Version 2.0): PS3_Supporting, PM2_Supporting, PM3, PM5, PP3, and PP4_Moderate. (Classification approved by the ClinGen Lysosomal Diseases Variant Curation Expert Panel on September 1, 2026).

Genomenon, Inc
Classification: Likely pathogenic for Glycogen storage disease, type II. Last evaluated: 2026-07-01. Review status: criteria provided, single submitter. Criteria: Genomenon Sequence Variant Interpretation Standards - Updated. Collection method: curation. Allele origin: germline. Affected: yes. Not counted in ClinVar's aggregate classification.
Comment: GAA p.Leu299Arg (c.896T>G) is a missense variant that changes the amino acid at codon 299 from Leucine to Arginine. This variant has been observed in at least one proband with a GAA-related disorder in the compound heterozygous and/or homozygous state (PMID:38313679;7717400). At least one functional study has demonstrated a substantial alteration in protein function relative to the wild-type (PMID:19862843;7717400). It is absent or not present at a significant frequency in gnomAD. In silico models predict that this variant is possibly or probably damaging. In conclusion, we classify GAA p.Leu299Arg (c.896T>G) as a likely pathogenic variant.

Labcorp Genetics (formerly Invitae), Labcorp
Classification: Pathogenic for Glycogen storage disease, type II. Last evaluated: 2020-01-04. Review status: criteria provided, single submitter. Criteria: Invitae Variant Classification Sherloc (09022015). Collection method: clinical testing. Allele origin: germline. Not counted in ClinVar's aggregate classification.
Comment: For these reasons, this variant has been classified as Pathogenic. The observation of one or more missense substitutions at this codon (p.Leu299Arg and p.Leu299Pro) in affected individuals suggests that this may be a clinically significant residue (PMID: 25752415, 7717400). This variant has been reported to affect GAA protein function (PMID: 7717400, 19862843). Additionally, advanced modeling of protein sequence and biophysical properties (such as structural, functional, and spatial information, amino acid conservation, physicochemical variation, residue mobility, and thermodynamic stability) performed at Invitae indicates that this missense variant is expected to disrupt GAA protein function. This variant has been observed in individuals affected with Pompe disease (PMID: 7717400, Invitae). ClinVar contains an entry for this variant (Variation ID: 4025). This variant is not present in population databases (ExAC no frequency). This sequence change replaces leucine with arginine at codon 299 of the GAA protein (p.Leu299Arg). The leucine residue is moderately conserved and there is a moderate physicochemical difference between leucine and arginine.

OMIM
Classification: Pathogenic for POMPE DISEASE, INFANTILE-ONSET. Last evaluated: 1995-04-01. Review status: no assertion criteria provided. Collection method: literature only. Allele origin: germline. Not counted in ClinVar's aggregate classification.

Literature cited by the submitters: PubMed 38313679 (cited by Genomenon, Inc); PubMed 7717400 (cited by 3 submitters); PubMed 19862843 (cited by Genomenon, Inc and Labcorp Genetics (formerly Invitae), Labcorp); PubMed 25752415 (cited by Labcorp Genetics (formerly Invitae), Labcorp).